The following is an entry in ClinVar:

ClinVar aggregate classification (germline): Uncertain significance. Review status: criteria provided, multiple submitters, no conflicts (2 of 4 stars). 2 submissions from 2 submitters: Uncertain significance (2). Last evaluated 2025-08-14.

Conditions:
Inborn genetic diseases. Identifiers: MedGen C0950123, MeSH D030342.

Submissions (2):

Labcorp Genetics (formerly Invitae), Labcorp
Classification: Uncertain significance. Last evaluated: 2025-08-14. Review status: criteria provided, single submitter. Criteria: Invitae Variant Classification Sherloc (09022015). Collection method: clinical testing. Allele origin: germline.
Comment: This sequence change replaces proline, which is neutral and non-polar, with leucine, which is neutral and non-polar, at codon 139 of the ANKRD26 protein (p.Pro139Leu). This variant is not present in population databases (gnomAD no frequency). This variant has not been reported in the literature in individuals affected with ANKRD26-related conditions. ClinVar contains an entry for this variant (Variation ID: 3867896). An algorithm developed to predict the effect of missense changes on protein structure and function outputs the following: PolyPhen-2: "Benign". The leucine amino acid residue is found in multiple mammalian species, which suggests that this missense change does not adversely affect protein function. In summary, the available evidence is currently insufficient to determine the role of this variant in disease. Therefore, it has been classified as a Variant of Uncertain Significance.

Ambry Genetics
Classification: Uncertain significance for Inborn genetic diseases. Last evaluated: 2025-01-08. Review status: criteria provided, single submitter. Criteria: Ambry Variant Classification Scheme 2023. Collection method: clinical testing. Allele origin: germline.
Comment: The p.P139L variant (also known as c.416C>T), located in coding exon 3 of the ANKRD26 gene, results from a C to T substitution at nucleotide position 416. The proline at codon 139 is replaced by leucine, an amino acid with similar properties. This amino acid position is conserved. In addition, this alteration is predicted to be tolerated by in silico analysis. Based on the available evidence, the clinical significance of this variant remains unclear.

NM_014915.3(ANKRD26):c.416C>T (p.Pro139Leu)

Gene: ANKRD26 (ankyrin repeat domain 26; minus strand). Cytogenetic location: 10p12.1.
Variant type: single nucleotide variant.
Coding change: c.416C>T on transcript NM_014915.3 (MANE Select); coding-DNA position 416, C replaced by T.
Protein change: p.Pro139Leu; replaces proline 139 with leucine.
Molecular consequence: missense variant.
Genome position (GRCh38, 1-based): chr10:27,093,464, G>A on the plus strand (C>T on the coding strand, the complement: ANKRD26 is on the minus strand). VCF-style: chr10-27093464-G-A. GRCh37 (hg19) VCF-style: chr10-27382393-G-A.
Other names: c.416C>T, p.Pro139Leu (NM_001256053.2); short protein forms P139L.
Identifiers: ClinVar variation 3867896 (VCV003867896.2).